The following is an entry in ClinVar:

NM_004999.4(MYO6):c.1939T>C (p.Phe647Leu)

Gene: MYO6 (myosin VI; plus strand). Cytogenetic location: 6q14.1.
Variant type: single nucleotide variant.
Coding change: c.1939T>C on transcript NM_004999.4 (MANE Select); coding-DNA position 1939, T replaced by C.
Protein change: p.Phe647Leu; replaces phenylalanine 647 with leucine.
Molecular consequence: missense variant. On other transcripts: non-coding transcript variant (1).
Genome position (GRCh38, 1-based): chr6:75,867,100, T>C. VCF-style: chr6-75867100-T-C. GRCh37 (hg19) VCF-style: chr6-76576817-T-C.
Other names: c.1939T>C, p.Phe647Leu (NM_001300899.2, NM_001368136.1, NM_001368137.1 and 2 more transcripts); c.1924T>C, p.Phe642Leu (NM_001368138.1); short protein forms F642L, F647L.
Identifiers: ClinVar variation 1185588 (VCV001185588.2), dbSNP rs752585373, ClinGen allele CA364766511.

ClinVar aggregate classification (germline): Uncertain significance (1 of 4 stars; one submission).

Conditions:
Nonsyndromic genetic hearing loss. Also called: Non-syndromic genetic deafness; Nonsyndromic hearing loss and deafness; Nonsyndromic genetic deafness. Identifiers: Orphanet 87884, MedGen C5680182, MONDO:0019497.

Submission:

INGEBI, INGEBI / CONICET
Classification: Uncertain significance for Nonsyndromic genetic hearing loss. Last evaluated: 2021-07-15. Review status: criteria provided, single submitter. Criteria: ClinGen HL ACMG Specifications v1. Collection method: clinical testing. Allele origin: germline. Inheritance: Autosomal dominant inheritance. Affected: yes. Observed: 1 variant allele, 1 heterozygote.
Comment: Based on ACMG/AMP guidelines and Hearing Loss Expert Panel specific criteria:The c.1939 T>C in MYO6 gene variant is absent in population databases (PM2) and computational evidence demonstrated a damage impact of the mutation to the protein, PP3. PM2 and PP3 lead to Uncertain significance